The following is an entry in ClinVar:

NM_001287.6(CLCN7):c.2087G>T (p.Arg696Leu)

Gene: CLCN7 (Cl-/H+ antiporter 7; minus strand). Cytogenetic location: 16p13.3.
Variant type: single nucleotide variant.
Coding change: c.2087G>T on transcript NM_001287.6 (MANE Select); coding-DNA position 2087, G replaced by T.
Protein change: p.Arg696Leu; replaces arginine 696 with leucine.
Molecular consequence: missense variant.
Genome position (GRCh38, 1-based): chr16:1,447,555, C>A on the plus strand (G>T on the coding strand, the complement: CLCN7 is on the minus strand). VCF-style: chr16-1447555-C-A. GRCh37 (hg19) VCF-style: chr16-1497556-C-A.
Other names: c.2015G>T, p.Arg672Leu (NM_001114331.3); short protein forms R696L, R672L.
Identifiers: ClinVar variation 1498507 (VCV001498507.8), dbSNP rs1032308852, ClinGen allele CA276668092.

ClinVar aggregate classification (germline): Uncertain significance (1 of 4 stars; one submission).

gnomAD v4.1: 12 of 1,556,044 alleles (0.00077%); highest among the groups gnomAD compares: Non-Finnish European, 0.00096%; no homozygotes.

Submission:

Labcorp Genetics (formerly Invitae), Labcorp
Classification: Uncertain significance. Last evaluated: 2025-11-13. Review status: criteria provided, single submitter. Criteria: Invitae Variant Classification Sherloc (09022015). Collection method: clinical testing. Allele origin: germline.
Comment: This sequence change replaces arginine, which is basic and polar, with leucine, which is neutral and non-polar, at codon 696 of the CLCN7 protein (p.Arg696Leu). The frequency data for this variant in the population databases is considered unreliable, as metrics indicate poor data quality at this position in the gnomAD database. This variant has not been reported in the literature in individuals affected with CLCN7-related conditions. ClinVar contains an entry for this variant (Variation ID: 1498507). Invitae Evidence Modeling of protein sequence and biophysical properties (such as structural, functional, and spatial information, amino acid conservation, physicochemical variation, residue mobility, and thermodynamic stability) indicates that this missense variant is not expected to disrupt CLCN7 protein function with a negative predictive value of 95%. In summary, the available evidence is currently insufficient to determine the role of this variant in disease. Therefore, it has been classified as a Variant of Uncertain Significance.